The following is an entry in ClinVar:

NM_015570.4(AUTS2):c.689A>T (p.Lys230Met)

Gene: AUTS2 (activator of transcription and developmental regulator AUTS2; plus strand). Cytogenetic location: 7q11.22.
Variant type: single nucleotide variant.
Coding change: c.689A>T on transcript NM_015570.4 (MANE Select); coding-DNA position 689, A replaced by T.
Protein change: p.Lys230Met; replaces lysine 230 with methionine.
Molecular consequence: missense variant.
Genome position (GRCh38, 1-based): chr7:70,435,780, A>T. VCF-style: chr7-70435780-A-T. GRCh37 (hg19) VCF-style: chr7-69900766-A-T.
Other names: c.689A>T, p.Lys230Met (NM_001127231.3); short protein forms K230M.
Identifiers: ClinVar variation 1305369 (VCV001305369.2), dbSNP rs1264698869, ClinGen allele CA367704572.

ClinVar aggregate classification (germline): Uncertain significance (1 of 4 stars; one submission).

Allele frequency attached by ClinVar (database versions not stated): gnomAD 0.00001; gnomAD exomes 0.00001.
gnomAD v4.1: 6 of 1,613,864 alleles (0.00037%); highest among the groups gnomAD compares: Non-Finnish European, 0.00051%; no homozygotes.

Submission:

GeneDx
Classification: Uncertain significance. Last evaluated: 2019-04-25. Review status: criteria provided, single submitter. Criteria: GeneDx Variant Classification Process June 2021. Collection method: clinical testing. Allele origin: germline. Affected: yes.
Comment: In silico analysis, which includes protein predictors and evolutionary conservation, supports a deleterious effect; Missense variant in a gene in which most reported pathogenic variants are truncating/loss-of-function; Has not been previously published as pathogenic or benign to our knowledge